The following is an entry in ClinVar:

NM_001297.5(CNGB1):c.1855G>C (p.Glu619Gln)

Gene: CNGB1 (cyclic nucleotide gated channel subunit beta 1; minus strand). Cytogenetic location: 16q21.
Variant type: single nucleotide variant.
Coding change: c.1855G>C on transcript NM_001297.5 (MANE Select); coding-DNA position 1855, G replaced by C.
Protein change: p.Glu619Gln; replaces glutamic acid 619 with glutamine.
Molecular consequence: missense variant.
Genome position (GRCh38, 1-based): chr16:57,919,201, C>G on the plus strand (G>C on the coding strand, the complement: CNGB1 is on the minus strand). VCF-style: chr16-57919201-C-G. GRCh37 (hg19) VCF-style: chr16-57953105-C-G.
Other names: c.1837G>C, p.Glu613Gln (NM_001286130.2); short protein forms E613Q, E619Q.
Identifiers: ClinVar variation 2010383 (VCV002010383.1), dbSNP rs778235190, ClinGen allele CA8083256.
Genomic context (GRCh38, chr16:57,919,201, plus strand): 5'-AGGGGCGGTGTTTGAACTTGCAGCAGAGCATGTCGCAATAGTGCTCCTCTTCCACTGGCT[C>G]GGCTTCAGCGGGCTTTGTGTCTGGAGCTGGCTCTGGGGCTTTCTTGGCTGGGGCTGTGGG-3'
Protein context (NP_001288.3, residues 609-629): PAPDTKPAEA[Glu619Gln]PVEEEHYCDM

ClinVar aggregate classification (germline): Uncertain significance (1 of 4 stars; one submission).

gnomAD v4.1: 27 of 1,614,194 alleles (0.0017%); highest among the groups gnomAD compares: Non-Finnish European, 0.0023%; no homozygotes.

Submission:

Labcorp Genetics (formerly Invitae), Labcorp
Classification: Uncertain significance. Last evaluated: 2022-10-24. Review status: criteria provided, single submitter. Criteria: Invitae Variant Classification Sherloc (09022015). Collection method: clinical testing. Allele origin: germline.
Comment: This sequence change replaces glutamic acid, which is acidic and polar, with glutamine, which is neutral and polar, at codon 619 of the CNGB1 protein (p.Glu619Gln). This variant is present in population databases (rs778235190, gnomAD 0.003%). This variant has not been reported in the literature in individuals affected with CNGB1-related conditions. Advanced modeling of protein sequence and biophysical properties (such as structural, functional, and spatial information, amino acid conservation, physicochemical variation, residue mobility, and thermodynamic stability) performed at Invitae indicates that this missense variant is not expected to disrupt CNGB1 protein function. In summary, the available evidence is currently insufficient to determine the role of this variant in disease. Therefore, it has been classified as a Variant of Uncertain Significance.